The following is an entry in ClinVar:

ClinVar aggregate classification (germline): Conflicting classifications of pathogenicity. Review status: criteria provided, conflicting classifications (1 of 4 stars). 7 submissions from 7 submitters: Uncertain significance (1); Benign (2); Likely benign (1). 3 of the submissions do not count toward it. Last evaluated 2022-11-01.

Conditions:
Hydatidiform mole, recurrent, 1 (HYDM1). Identifiers: Orphanet 254688, Orphanet 99927, MedGen C3463897, MONDO:0009273, OMIM 231090. Disease mechanism: loss of function.

Allele frequency attached by ClinVar (database versions not stated): 1000 Genomes Project 30x 0.00062; 1000 Genomes Project 0.00080; ESP Exome Variant Server 0.00138; gnomAD exomes 0.00175 and 0.00254; gnomAD 0.00196 and 0.00198; TOPMed 0.00216; ExAC 0.00244.
gnomAD v4.1: 2,971 of 1,614,014 alleles (0.18%); highest among the groups gnomAD compares: Middle Eastern, 2.3%; 17 homozygotes.

Submissions (7):

CeGaT Center for Human Genetics Tuebingen
Classification: Benign. Last evaluated: 2022-11-01. Review status: criteria provided, single submitter. Criteria: CeGaT Center For Human Genetics Tuebingen Variant Classification Criteria Version 2. Collection method: clinical testing. Allele origin: germline. Affected: yes. Observed: 3 variant alleles.
Comment: NLRP7: BP4, BP7, BS1, BS2

Labcorp Genetics (formerly Invitae), Labcorp
Classification: Benign. Last evaluated: 2019-12-31. Review status: criteria provided, single submitter. Criteria: Invitae Variant Classification Sherloc (09022015). Collection method: clinical testing. Allele origin: germline.

Illumina Laboratory Services, Illumina
Classification: Uncertain significance for Hydatidiform mole, recurrent, 1. Last evaluated: 2018-01-13. Review status: criteria provided, single submitter. Criteria: ICSL Variant Classification Criteria 13 December 2019. Collection method: clinical testing. Allele origin: germline.

Eurofins Ntd Llc (ga)
Classification: Likely benign. Last evaluated: 2015-09-02. Review status: criteria provided, single submitter. Criteria: EGL Classification Definitions 2015. Collection method: clinical testing. Allele origin: germline. Observed: 1 variant allele, 1 heterozygote.

Clinical Genetics DNA and cytogenetics Diagnostics Lab, Erasmus MC, Erasmus Medical Center
Classification: Likely benign. Review status: no assertion criteria provided. Collection method: clinical testing. Allele origin: germline. Affected: yes. Study: VKGL Data-share Consensus. Not counted in ClinVar's aggregate classification.

Genome Diagnostics Laboratory, University Medical Center Utrecht
Classification: Likely benign. Review status: no assertion criteria provided. Collection method: clinical testing. Allele origin: germline. Affected: yes. Study: VKGL Data-share Consensus. Not counted in ClinVar's aggregate classification.

Unité médicale des maladies autoinflammatoires, CHRU Montpellier
No classification provided. Condition: Hydatidiform mole. Review status: no classification provided. Collection method: not provided. Allele origin: unknown. Not counted in ClinVar's aggregate classification.

NM_001127255.2(NLRP7):c.2094C>T (p.His698=)

Genes: NCR1 (natural cytotoxicity triggering receptor 1), NLRP7 (NLR family pyrin domain containing 7; minus strand). Cytogenetic location: 19q13.42.
Variant type: single nucleotide variant.
Coding change: c.2094C>T on transcript NM_001127255.2 (MANE Select); coding-DNA position 2094, C replaced by T.
Protein change: p.His698=; no amino-acid change (histidine 698 retained).
Molecular consequence: synonymous variant.
Genome position (GRCh38, 1-based): chr19:54,938,079, G>A on the plus strand (C>T on the coding strand, the complement: NLRP7 is on the minus strand). VCF-style: chr19-54938079-G-A. GRCh37 (hg19) VCF-style: chr19-55449447-G-A.
Other names: c.2094C>T, p.His698= (NM_001405531.1, NM_206828.4); c.2010C>T, p.His670= (NM_139176.4).
Identifiers: ClinVar variation 97734 (VCV000097734.46), dbSNP rs104895524, ClinGen allele CA149988.
Genomic context (GRCh38, chr19:54,938,079, plus strand): 5'-CCTTGCAAGATGAGCTTCTACTTACTCCACTTTCTGCAGATGACAGGTGCTACGGGTTAC[G>A]TGGTCACAAAGAATCCGCACAGAAGAGTCACTCAGGAAGCTTTGTTTCACTTCCAGAAAC-3'
Protein context (NP_001120727.1, residues 688-708): SDSSVRILCD[His698=]VTRSTCHLQK